The following is an entry in ClinVar:

NM_000089.4(COL1A2):c.845GTG[1] (p.Gly283del)

Gene: COL1A2 (collagen type I alpha 2 chain; plus strand). Cytogenetic location: 7q21.3.
Variant type: Microsatellite.
Coding change: c.845GTG[1] on transcript NM_000089.4 (MANE Select); one copy of the 3-base unit GTG starting at c.845; the reference has two copies in a row; one copy, 3 bases deleted.
Protein change: p.Gly283del; deletes glycine 283.
Molecular consequence: inframe deletion.
Genome position (GRCh38, 1-based): chr7:94,409,377-94,409,379, GTG deleted; deleting any 3 consecutive bases within chr7:94,409,374-94,409,379 gives the same sequence; the position shown is the placement nearest the transcript's 3' end. VCF-style (leftmost placement, unchanged base first): chr7-94409373-CGTG-C. GRCh37 (hg19) VCF-style: chr7-94038685-CGTG-C.
Other names: c.848_850delGTG (NM_000089.3); short protein forms G283del.
Identifiers: ClinVar variation 35958 (VCV000035958.3), dbSNP rs193922175, ClinGen allele CA260389.

ClinVar aggregate classification (germline): Likely pathogenic (1 of 4 stars; one submission).

Conditions:
Osteogenesis imperfecta (OI). Identifiers: Orphanet 666, MedGen C0029434, MeSH D010013, MONDO:0019019.

Submission:

Women's Health and Genetics/Laboratory Corporation of America, LabCorp
Classification: Likely pathogenic for Osteogenesis Imperfecta. Last evaluated: 2011-08-18. Review status: criteria provided, single submitter. Criteria: LabCorp Variant Classification Summary - May 2015. Collection method: curation, clinical testing. Allele origin: germline. Inheritance: autosomal unknown. Affected: yes.
ClinVar note: Converted during submission from likely pathogenic to Likely pathogenic.